The following is an entry in ClinVar:

ClinVar aggregate classification (germline): Uncertain significance (1 of 4 stars; one submission).

Conditions:
Inborn genetic diseases. Identifiers: MedGen C0950123, MeSH D030342.

gnomAD v4.1: 3 of 1,600,374 alleles (0.00019%); highest among the groups gnomAD compares: African/African-American, 0.0027%; no homozygotes.

Submission:

Ambry Genetics
Classification: Uncertain significance for Inborn genetic diseases. Last evaluated: 2026-04-18. Review status: criteria provided, single submitter. Criteria: Ambry Variant Classification Scheme 2023. Collection method: clinical testing. Allele origin: germline.
Comment: The p.D1038A variant (also known as c.3113A>C), located in coding exon 31 of the RTEL1 gene, results from an A to C substitution at nucleotide position 3113. The aspartic acid at codon 1038 is replaced by alanine, an amino acid with dissimilar properties. This amino acid position is conserved. In addition, this alteration is predicted to be tolerated by in silico analysis. Based on the available evidence, the clinical significance of this variant remains unclear.

NM_001283009.2(RTEL1):c.3113A>C (p.Asp1038Ala)

Genes: RTEL1 (regulator of telomere elongation helicase 1; plus strand), RTEL1-TNFRSF6B (RTEL1-TNFRSF6B readthrough (NMD candidate); plus strand). Cytogenetic location: 20q13.33.
Variant type: single nucleotide variant.
Coding change: c.3113A>C on transcript NM_001283009.2 (MANE Select); coding-DNA position 3113, A replaced by C.
Protein change: p.Asp1038Ala; replaces aspartic acid 1038 with alanine.
Molecular consequence: missense variant. On other transcripts: non-coding transcript variant (1).
Genome position (GRCh38, 1-based): chr20:63,694,744, A>C. VCF-style: chr20-63694744-A-C. GRCh37 (hg19) VCF-style: chr20-62326097-A-C.
Other names: c.2444A>C, p.Asp815Ala (NM_001283010.1); c.3113A>C, p.Asp1038Ala (NM_016434.4); c.3185A>C, p.Asp1062Ala (NM_032957.5); short protein forms D1038A, D1062A, D815A.
Identifiers: ClinVar variation 4863556 (VCV004863556.1).